The following is an entry in ClinVar:

NM_001267550.2(TTN):c.102314T>A (p.Val34105Asp)

Genes: TTN (titin; minus strand), TTN-AS1 (TTN antisense RNA 1; plus strand). Cytogenetic location: 2q31.2.
Variant type: single nucleotide variant.
Coding change: c.102314T>A on transcript NM_001267550.2 (MANE Select); coding-DNA position 102314, T replaced by A.
Protein change: p.Val34105Asp; replaces valine 34105 with aspartic acid.
Molecular consequence: missense variant.
Genome position (GRCh38, 1-based): chr2:178,534,301, A>T on the plus strand (T>A on the coding strand, the complement: TTN is on the minus strand). VCF-style: chr2-178534301-A-T. GRCh37 (hg19) VCF-style: chr2-179399028-A-T.
Other names: c.97391T>A, p.Val32464Asp (NM_001256850.1); c.75119T>A, p.Val25040Asp (NM_003319.4); c.94610T>A, p.Val31537Asp (NM_133378.4); c.75494T>A, p.Val25165Asp (NM_133432.3); c.75695T>A, p.Val25232Asp (NM_133437.4); short protein forms V25165D, V25232D, V31537D, V25040D, V32464D, V34105D.
Identifiers: ClinVar variation 2185170 (VCV002185170.4), dbSNP rs747672013, ClinGen allele CA1985768.
Genomic context (GRCh38, chr2:178,534,301, plus strand): 5'-ACACTCACTCCCTTCTGAGATCGAATTGCACCACCACAGGAGATCCGGGCTGCTGACACA[A>T]CCATGTTGAGGTCTTTCTTGATCAGGGTGTGGTAATAACGCCGGTGTTTTAATGTTCTGA-3'
Protein context (NP_001254479.2, residues 34095-34115): HTLIKKDLNM[Val34105Asp]VSAARISCGG

ClinVar aggregate classification (germline): Uncertain significance (1 of 4 stars; one submission).

Conditions:
Dilated cardiomyopathy 1G (CMD1G). Identifiers: Orphanet 154, MedGen C1858763, MONDO:0011400, OMIM 604145.
Autosomal recessive limb-girdle muscular dystrophy type 2J (LGMDR10). Also called: MUSCULAR DYSTROPHY, LIMB-GIRDLE, AUTOSOMAL RECESSIVE 10; Limb-girdle muscular dystrophy, type 2J. Identifiers: Orphanet 140922, MedGen C1837342, MONDO:0012127, OMIM 608807.

Allele frequency attached by ClinVar (database versions not stated): gnomAD exomes below 0.00001; ExAC 0.00001; TOPMed 0.00001.
gnomAD v4.1: 1 of 1,613,790 alleles (0.000062%); highest among the groups gnomAD compares: Admixed American, 0.0017%; no homozygotes.

Submission:

Labcorp Genetics (formerly Invitae), Labcorp
Classification: Uncertain significance for Dilated cardiomyopathy 1G; Autosomal recessive limb-girdle muscular dystrophy type 2J. Last evaluated: 2023-12-18. Review status: criteria provided, single submitter. Criteria: Invitae Variant Classification Sherloc (09022015). Collection method: clinical testing. Allele origin: germline.
Comment: This sequence change replaces valine, which is neutral and non-polar, with aspartic acid, which is acidic and polar, at codon 34105 of the TTN protein (p.Val34105Asp). This variant is present in population databases (rs747672013, gnomAD 0.003%). This variant has not been reported in the literature in individuals affected with TTN-related conditions. ClinVar contains an entry for this variant (Variation ID: 2185170). Experimental studies and prediction algorithms are not available or were not evaluated, and the functional significance of this variant is currently unknown. This variant is located in the M band of TTN (PMID: 25589632). Non-truncating variants in this region may be relevant for neuromuscular disorders, but have not been definitively shown to cause cardiomyopathy (PMID: 23975875). In summary, the available evidence is currently insufficient to determine the role of this variant in disease. Therefore, it has been classified as a Variant of Uncertain Significance.

Literature cited by the submitters: PubMed 25589632; PubMed 23975875.